The following is an entry in ClinVar:

NM_006059.4(LAMC3):c.2937G>C (p.Glu979Asp)

Gene: LAMC3 (laminin subunit gamma 3; plus strand). Cytogenetic location: 9q34.12.
Variant type: single nucleotide variant.
Coding change: c.2937G>C on transcript NM_006059.4 (MANE Select); coding-DNA position 2937, G replaced by C.
Protein change: p.Glu979Asp; replaces glutamic acid 979 with aspartic acid.
Molecular consequence: missense variant.
Genome position (GRCh38, 1-based): chr9:131,069,718, G>C. VCF-style: chr9-131069718-G-C. GRCh37 (hg19) VCF-style: chr9-133945105-G-C.
Other names: short protein forms E979D.
Identifiers: ClinVar variation 1966318 (VCV001966318.5), dbSNP rs371111557, ClinGen allele CA375255395.

ClinVar aggregate classification (germline): Uncertain significance (1 of 4 stars; one submission).

Submission:

Labcorp Genetics (formerly Invitae), Labcorp
Classification: Uncertain significance. Last evaluated: 2022-06-22. Review status: criteria provided, single submitter. Criteria: Invitae Variant Classification Sherloc (09022015). Collection method: clinical testing. Allele origin: germline.
Comment: This sequence change replaces glutamic acid, which is acidic and polar, with aspartic acid, which is acidic and polar, at codon 979 of the LAMC3 protein (p.Glu979Asp). This variant is not present in population databases (gnomAD no frequency). This variant has not been reported in the literature in individuals affected with LAMC3-related conditions. Algorithms developed to predict the effect of missense changes on protein structure and function are either unavailable or do not agree on the potential impact of this missense change (SIFT: "Tolerated"; PolyPhen-2: "Possibly Damaging"; Align-GVGD: "Class C0"). In summary, the available evidence is currently insufficient to determine the role of this variant in disease. Therefore, it has been classified as a Variant of Uncertain Significance.